The following is an entry in ClinVar:

NM_004415.4(DSP):c.8310T>A (p.Tyr2770Ter)

Gene: DSP (desmoplakin; plus strand). Cytogenetic location: 6p24.3.
Variant type: single nucleotide variant.
Coding change: c.8310T>A on transcript NM_004415.4 (MANE Select); coding-DNA position 8310, T replaced by A.
Protein change: p.Tyr2770Ter; replaces tyrosine 2770 with a stop codon.
Molecular consequence: nonsense.
Genome position (GRCh38, 1-based): chr6:7,585,572, T>A. VCF-style: chr6-7585572-T-A. GRCh37 (hg19) VCF-style: chr6-7585805-T-A.
Other names: c.6513T>A, p.Tyr2171Ter (NM_001008844.3); c.6981T>A, p.Tyr2327Ter (NM_001319034.2); short protein forms Y2171*, Y2327*, Y2770*.
Identifiers: ClinVar variation 3071557 (VCV003071557.1), dbSNP rs750982524, ClinGen allele CA362694887.

ClinVar aggregate classification (germline): Uncertain significance (1 of 4 stars; one submission).

Conditions:
Arrhythmogenic cardiomyopathy with wooly hair and keratoderma. Also called: PALMOPLANTAR KERATODERMA WITH LEFT VENTRICULAR CARDIOMYOPATHY AND WOOLLY HAIR; Carvajal syndrome; Dilated cardiomyopathy with woolly hair and keratoderma; Arrhythmogenic cardiomyopathy with woolly hair and keratoderma. Identifiers: Orphanet 65282, MedGen C1854063, MONDO:0011581, OMIM 605676.

Submission:

All of Us Research Program, National Institutes of Health
Classification: Uncertain significance for Arrhythmogenic cardiomyopathy with wooly hair and keratoderma. Last evaluated: 2023-06-08. Review status: criteria provided, single submitter. Criteria: ACMG Guidelines, 2015. Collection method: clinical testing. Allele origin: germline. Inheritance: Autosomal dominant inheritance. Observed: 1 variant allele, 1 heterozygote.
Comment: This variant changes 1 nucleotide in exon 24 of the DSP gene, creating a premature translation stop signal in the last exon. This variant is expected to result in an absent or non-functional protein product. This variant is predicted to escape nonsense-mediated decay and be expressed as a truncated protein. Although functional studies have not been reported, this variant is expected to disrupt the plakin repeat domain C (a.a. 2609-2822) and downstream C-terminal sequence, which have been reported to be essential for interaction with intermediate filaments (PMID: 12101406, 12802069, 21756917). To our knowledge, this variant has not been reported in individuals affected with DSP-related disorders in the literature. This variant has not been identified in the general population by the Genome Aggregation Database (gnomAD). Although there is a suspicion for a pathogenic role, the available evidence is insufficient to determine the role of this variant in disease conclusively. Therefore, this variant is classified as a Variant of Uncertain Significance.

This study involves interpretation of variants in research participants for the purpose of population health screening. Participant phenotype was not available at the time of variant classification. Additional details can be found in publication PMID: 35346344, PMCID: PMC8962531

Literature cited by the submitters: PubMed 12101406; PubMed 12802069; PubMed 21756917.